The following is an entry in ClinVar:

ClinVar aggregate classification (germline): Uncertain significance (1 of 4 stars; one submission).

gnomAD v4.1: 4 of 1,608,810 alleles (0.00025%); highest among the groups gnomAD compares: African/African-American, 0.0054%; no homozygotes.

Submission:

Labcorp Genetics (formerly Invitae), Labcorp
Classification: Uncertain significance. Last evaluated: 2025-12-09. Review status: criteria provided, single submitter. Criteria: Invitae Variant Classification Sherloc (09022015). Collection method: clinical testing. Allele origin: germline.
Comment: This sequence change replaces proline, which is neutral and non-polar, with leucine, which is neutral and non-polar, at codon 615 of the ERBIN protein (p.Pro615Leu). This variant is present in population databases (rs752203128, gnomAD 0.01%). This variant has not been reported in the literature in individuals affected with ERBIN-related conditions. An algorithm developed to predict the effect of missense changes on protein structure and function (PolyPhen-2) suggests that this variant is likely to be tolerated. In summary, the available evidence is currently insufficient to determine the role of this variant in disease. Therefore, it has been classified as a Variant of Uncertain Significance.

NM_001253697.2(ERBIN):c.1844C>T (p.Pro615Leu)

Gene: ERBIN (erbb2 interacting protein; plus strand). Cytogenetic location: 5q12.3.
Variant type: single nucleotide variant.
Coding change: c.1844C>T on transcript NM_001253697.2 (MANE Select); coding-DNA position 1844, C replaced by T.
Protein change: p.Pro615Leu; replaces proline 615 with leucine.
Molecular consequence: missense variant.
Genome position (GRCh38, 1-based): chr5:66,048,722, C>T. VCF-style: chr5-66048722-C-T. GRCh37 (hg19) VCF-style: chr5-65344550-C-T.
Other names: c.1844C>T, p.Pro615Leu (NM_001006600.3, NM_001253698.2, NM_001253699.2 and 1 more transcripts); c.1832C>T, p.Pro611Leu (NM_001253701.2); short protein forms P611L, P615L.
Identifiers: ClinVar variation 4749555 (VCV004749555.1).